The following is an entry in ClinVar:

NM_005751.5(AKAP9):c.4131G>C (p.Glu1377Asp)

Gene: AKAP9 (A-kinase anchoring protein 9; plus strand). Cytogenetic location: 7q21.2.
Variant type: single nucleotide variant.
Coding change: c.4131G>C on transcript NM_005751.5 (MANE Select); coding-DNA position 4131, G replaced by C.
Protein change: p.Glu1377Asp; replaces glutamic acid 1377 with aspartic acid.
Molecular consequence: missense variant.
Genome position (GRCh38, 1-based): chr7:92,022,992, G>C. VCF-style: chr7-92022992-G-C. GRCh37 (hg19) VCF-style: chr7-91652306-G-C.
Other names: c.4131G>C, p.Glu1377Asp (NM_147185.3); short protein forms E1377D.
Identifiers: ClinVar variation 935988 (VCV000935988.10), dbSNP rs373313419, ClinGen allele CA4336482.
Genomic context (GRCh38, chr7:92,022,992, plus strand): 5'-TGAACAAAACTATGAGGCAGAGATCCACTGTTTACAGAAGAGGCTTCAAGCTGTTAGTGA[G>C]TCCACGGTTCCGCCAAGGTATTCATCTGCTTATAGCTTCATTCAACAGTATTTGTAGCTT-3'
Protein context (NP_005742.4, residues 1367-1387): CLQKRLQAVS[Glu1377Asp]STVPPSLPVD

ClinVar aggregate classification (germline): Conflicting classifications of pathogenicity. Review status: criteria provided, conflicting classifications (1 of 4 stars). 3 submissions from 3 submitters: Uncertain significance (2); Likely benign (1). Last evaluated 2025-11-12.

Conditions:
Long QT syndrome 11 (LQT11). Identifiers: Orphanet 101016, Orphanet 768, MedGen C2678483, MONDO:0012738, OMIM 611820.
Cardiovascular phenotype. Identifiers: MedGen CN230736.
Long QT syndrome (LQTS). Identifiers: MedGen C0023976, MeSH D008133, MONDO:0002442. Disease mechanism: loss of function. Inheritance: Various modes of inheritance.

Allele frequency attached by ClinVar (database versions not stated): gnomAD exomes below 0.00001 and 0.00001; ExAC 0.00002; TOPMed 0.00005; gnomAD 0.00007 and 0.00008; ESP Exome Variant Server 0.00008.
gnomAD v4.1: 12 of 1,613,698 alleles (0.00074%); highest among the groups gnomAD compares: African/African-American, 0.0093%; no homozygotes.

Submissions (3):

Ambry Genetics
Classification: Likely benign for Cardiovascular phenotype. Last evaluated: 2025-11-12. Review status: criteria provided, single submitter. Criteria: Ambry Variant Classification Scheme 2023. Collection method: clinical testing. Allele origin: germline.

Labcorp Genetics (formerly Invitae), Labcorp
Classification: Uncertain significance for Long QT syndrome. Last evaluated: 2025-07-13. Review status: criteria provided, single submitter. Criteria: Invitae Variant Classification Sherloc (09022015). Collection method: clinical testing. Allele origin: germline.
Comment: This sequence change replaces glutamic acid, which is acidic and polar, with aspartic acid, which is acidic and polar, at codon 1377 of the AKAP9 protein (p.Glu1377Asp). This variant is present in population databases (rs373313419, gnomAD 0.01%). This variant has not been reported in the literature in individuals affected with AKAP9-related conditions. ClinVar contains an entry for this variant (Variation ID: 935988). An algorithm developed to predict the effect of missense changes on protein structure and function (PolyPhen-2) suggests that this variant is likely to be disruptive. In summary, the available evidence is currently insufficient to determine the role of this variant in disease. Therefore, it has been classified as a Variant of Uncertain Significance.

Fulgent Genetics
Classification: Uncertain significance for Long QT syndrome 11. Last evaluated: 2021-08-09. Review status: criteria provided, single submitter. Criteria: ACMG Guidelines, 2015. Collection method: clinical testing. Allele origin: unknown.